The following is an entry in ClinVar:

NM_001844.5(COL2A1):c.1449dup (p.Pro484fs)

Gene: COL2A1 (collagen type II alpha 1 chain; minus strand). Cytogenetic location: 12q13.11.
Variant type: Duplication.
Coding change: c.1449dup on transcript NM_001844.5 (MANE Select); coding-DNA position 1449, one base duplicated (A; older notation c.1449dupA).
Protein change: p.Pro484fs; shifts the reading frame from proline 484.
Molecular consequence: frameshift variant.
Genome position (GRCh38, 1-based): chr12:47,986,414, T duplicated on the plus strand (A on the coding strand, the reverse complement: COL2A1 is on the minus strand). VCF-style (leftmost placement, unchanged base first): chr12-47986413-G-GT. GRCh37 (hg19) VCF-style: chr12-48380196-G-GT.
Other names: c.1242dup, p.Pro415fs (NM_033150.3); short protein forms P484fs, P415fs.
Identifiers: ClinVar variation 4616232 (VCV004616232.1).

ClinVar aggregate classification (germline): Pathogenic (1 of 4 stars; one submission).

Conditions:
Inborn genetic diseases. Identifiers: MedGen C0950123, MeSH D030342.

Submission:

Ambry Genetics
Classification: Pathogenic for Inborn genetic diseases. Last evaluated: 2025-10-24. Review status: criteria provided, single submitter. Criteria: Ambry Variant Classification Scheme 2023. Collection method: clinical testing. Allele origin: germline.
Comment: The c.1449dupA (p.P484Tfs*4) alteration, located in exon 23 (coding exon 23) of the COL2A1 gene, consists of a duplication of A at position 1449, causing a translational frameshift with a predicted alternate stop codon after 4 amino acids. This alteration is expected to result in loss of function by premature protein truncation or nonsense-mediated mRNA decay. This variant was not reported in population-based cohorts in the Genome Aggregation Database (gnomAD). Based on the available evidence, this alteration is classified as pathogenic.